The following is an entry in ClinVar:

ClinVar aggregate classification (germline): Conflicting classifications of pathogenicity. Review status: criteria provided, conflicting classifications (1 of 4 stars). 2 submissions from 2 submitters: Uncertain significance (1); Likely benign (1). Last evaluated 2024-05-01.

Conditions:
Inborn genetic diseases. Identifiers: MedGen C0950123, MeSH D030342.
Nemaline myopathy 2 (NEM2). Also called: Nemaline myopathy 2, autosomal recessive. Identifiers: MedGen C1850569, MONDO:0009725, OMIM 256030.

Allele frequency attached by ClinVar (database versions not stated): gnomAD exomes below 0.00001.
gnomAD v4.1: 2 of 1,586,068 alleles (0.00013%); highest among the groups gnomAD compares: South Asian, 0.0011%; no homozygotes.

Submissions (2):

Labcorp Genetics (formerly Invitae), Labcorp
Classification: Uncertain significance for Nemaline myopathy 2. Last evaluated: 2024-05-01. Review status: criteria provided, single submitter. Criteria: Invitae Variant Classification Sherloc (09022015). Collection method: clinical testing. Allele origin: germline.
Comment: This sequence change replaces asparagine, which is neutral and polar, with lysine, which is basic and polar, at codon 7180 of the NEB protein (p.Asn7180Lys). This variant is present in population databases (no rsID available, gnomAD 0.004%). This missense change has been observed in individual(s) with NEB-related conditions (Invitae). ClinVar contains an entry for this variant (Variation ID: 2327621). Algorithms developed to predict the effect of missense changes on protein structure and function output the following: SIFT: "Not Available"; PolyPhen-2: "Not Available"; Align-GVGD: "Not Available". The lysine amino acid residue is found in multiple mammalian species, which suggests that this missense change does not adversely affect protein function. In summary, the available evidence is currently insufficient to determine the role of this variant in disease. Therefore, it has been classified as a Variant of Uncertain Significance.

Ambry Genetics
Classification: Likely benign for Inborn genetic diseases. Last evaluated: 2022-11-18. Review status: criteria provided, single submitter. Criteria: Ambry Variant Classification Scheme 2023. Collection method: clinical testing. Allele origin: germline.

NM_001164508.2(NEB):c.21435C>A (p.Asn7145Lys)

Genes: NEB (nebulin; minus strand), RIF1 (replication timing regulatory factor 1; plus strand). Cytogenetic location: 2q23.3.
Variant type: single nucleotide variant.
Coding change: c.21435C>A on transcript NM_001164508.2 (MANE Select); coding-DNA position 21435, C replaced by A.
Protein change: p.Asn7145Lys; replaces asparagine 7145 with lysine.
Molecular consequence: missense variant.
Genome position (GRCh38, 1-based): chr2:151,531,879, G>T on the plus strand (C>A on the coding strand, the complement: NEB is on the minus strand). VCF-style: chr2-151531879-G-T. GRCh37 (hg19) VCF-style: chr2-152388393-G-T.
Other names: c.21435C>A, p.Asn7145Lys (NM_001164507.2); c.21540C>A, p.Asn7180Lys (NM_001271208.2); c.16332C>A, p.Asn5444Lys (NM_004543.5); short protein forms N5444K, N7145K, N7180K.
Identifiers: ClinVar variation 2327621 (VCV002327621.4), dbSNP rs920891229, ClinGen allele CA57633184.